The following is an entry in ClinVar:

NM_003482.4(KMT2D):c.5895del (p.Glu1965fs)

Gene: KMT2D (lysine methyltransferase 2D; minus strand). Cytogenetic location: 12q13.12.
Variant type: Deletion.
Coding change: c.5895del on transcript NM_003482.4 (MANE Select); coding-DNA position 5895, one base deleted (A; older notation c.5895delA).
Protein change: p.Glu1965fs; shifts the reading frame from glutamic acid 1965.
Molecular consequence: frameshift variant.
Genome position (GRCh38, 1-based): chr12:49,042,303, T deleted on the plus strand (A on the coding strand, the reverse complement: KMT2D is on the minus strand); the first of 2 consecutive T bases (chr12:49,042,303-49,042,304); deleting either gives the same sequence. VCF-style (leftmost placement, unchanged base first): chr12-49042302-GT-G. GRCh37 (hg19) VCF-style: chr12-49436085-GT-G.
Other names: short protein forms E1965fs.
Identifiers: ClinVar variation 4531208 (VCV004531208.1).
Genomic context (GRCh38, chr12:49,042,302, plus strand): 5'-TTGTGGGGGTGGAGGGCGTGGTGCCACCTGAGCCCGTCCAGGGGCTGTCGGGCTCACCGG[GT>G]TCCGGGCTAAAGAAGCCCCCGCGCTCCCTGGGGCGCAGGGGCAGAGAGTCACAGGGCGCA-3'

ClinVar aggregate classification (germline): Likely pathogenic (1 of 4 stars; one submission).

Conditions:
Kabuki syndrome 1 (KABUK1). Also called: KMT2D-Related Kabuki Syndrome. Identifiers: Orphanet 2322, MedGen CN030661, MONDO:0007843, OMIM 147920.

Submission:

Juno Genomics, Hangzhou Juno Genomics, Inc
Classification: Likely pathogenic for Kabuki syndrome 1. Review status: criteria provided, single submitter. Criteria: ACMG Guidelines, 2015. Collection method: clinical testing. Allele origin: germline. Affected: yes.
Comment: Absent from controls (or at extremely low frequency if recessive) in Genome Aggregation Database, Exome Sequencing Project, 1000 Genomes Project, or Exome Aggregation Consortium.;Null variant in a gene where loss of function (LOF) is a known mechanism of disease.